The following is an entry in ClinVar:

ClinVar aggregate classification (germline): Likely benign (1 of 4 stars; one submission).

Submission:

CeGaT Center for Human Genetics Tuebingen
Classification: Likely benign. Last evaluated: 2025-11-01. Review status: criteria provided, single submitter. Criteria: CeGaT Center For Human Genetics Tuebingen Variant Classification Criteria Version 2. Collection method: clinical testing. Allele origin: germline. Affected: yes. Observed: 1 variant allele.
Comment: KMT2D: PM2:Supporting, BP4, BP7

NM_003482.4(KMT2D):c.11793T>A (p.Leu3931=)

Gene: KMT2D (lysine methyltransferase 2D; minus strand). Cytogenetic location: 12q13.12.
Variant type: single nucleotide variant.
Coding change: c.11793T>A on transcript NM_003482.4 (MANE Select); coding-DNA position 11793, T replaced by A.
Protein change: p.Leu3931=; no amino-acid change (leucine 3931 retained).
Molecular consequence: synonymous variant.
Genome position (GRCh38, 1-based): chr12:49,032,912, A>T on the plus strand (T>A on the coding strand, the complement: KMT2D is on the minus strand). VCF-style: chr12-49032912-A-T. GRCh37 (hg19) VCF-style: chr12-49426695-A-T.
Identifiers: ClinVar variation 4533411 (VCV004533411.6).